The following is an entry in ClinVar:

ClinVar aggregate classification (germline): Likely pathogenic (1 of 4 stars; one submission).

Submission:

GeneDx
Classification: Likely pathogenic. Last evaluated: 2022-12-16. Review status: criteria provided, single submitter. Criteria: GeneDx Variant Classification Process June 2021. Collection method: clinical testing. Allele origin: germline. Affected: yes.
Comment: Normal stop codon changed to a Gln codon, leading to the addition of 89 amino acids at the C-terminus; Not observed at significant frequency in large population cohorts (gnomAD); This variant is associated with the following publications: (PMID: 29955172)

NM_002608.4(PDGFB):c.724T>C (p.Ter242Gln)

Gene: PDGFB (platelet derived growth factor subunit B; minus strand). Cytogenetic location: 22q13.1.
Variant type: single nucleotide variant.
Coding change: c.724T>C on transcript NM_002608.4 (MANE Select); coding-DNA position 724, T replaced by C.
Protein change: p.Ter242Gln.
Molecular consequence: stop lost.
Genome position (GRCh38, 1-based): chr22:39,225,725, A>G on the plus strand (T>C on the coding strand, the complement: PDGFB is on the minus strand). VCF-style: chr22-39225725-A-G. GRCh37 (hg19) VCF-style: chr22-39621730-A-G.
Other names: c.679T>C, p.Ter227Gln (NM_033016.3).
Identifiers: ClinVar variation 2505942 (VCV002505942.1), dbSNP rs2517755300, ClinGen allele CA411598131.
Genomic context (GRCh38, chr22:39,225,725, plus strand): 5'-TGGGCCTCAGTTGCCCCGCCTGGCCCTCACCTGCCCACACACTCTCCTGCCGATGCCCCT[A>G]GGCTCCAAGGGTCTCCTTCAGTGCCGTCTTGTCATGCGTGTGCTTGAATTTCCGGTGCTT-3'